The following is an entry in ClinVar:

NM_001365999.1(SZT2):c.4765A>C (p.Thr1589Pro)

Gene: SZT2 (SZT2 subunit of KICSTOR complex; plus strand). Cytogenetic location: 1p34.2.
Variant type: single nucleotide variant.
Coding change: c.4765A>C on transcript NM_001365999.1 (MANE Select); coding-DNA position 4765, A replaced by C.
Protein change: p.Thr1589Pro; replaces threonine 1589 with proline.
Molecular consequence: missense variant.
Genome position (GRCh38, 1-based): chr1:43,430,780, A>C. VCF-style: chr1-43430780-A-C. GRCh37 (hg19) VCF-style: chr1-43896451-A-C.
Other names: c.4594A>C, p.Thr1532Pro (NM_015284.4); short protein forms T1532P, T1589P.
Identifiers: ClinVar variation 589213 (VCV000589213.5), dbSNP rs1348292126, ClinGen allele CA340022673.
Genomic context (GRCh38, chr1:43,430,780, plus strand): 5'-CTCACGTGCTCCGTGCGGCTACGTGGGCAGCACAGCTCAGTACCTGTGTGCAGCCTGCCT[A>C]CCTGCCTGGGTGAGTTTGAGGCAGCCCGAGGGAAAGCCAAAGGTCCTGGAACAGCCTGCC-3'
Protein context (NP_001352928.1, residues 1579-1599): HSSVPVCSLP[Thr1589Pro]CLGQVLSSLE

ClinVar aggregate classification (germline): Uncertain significance (1 of 4 stars; one submission).

Conditions:
Inborn genetic diseases. Identifiers: MedGen C0950123, MeSH D030342.

gnomAD v4.1: 2 of 1,608,102 alleles (0.00012%); highest among the groups gnomAD compares: Non-Finnish European, 0.000085%; no homozygotes.

Submission:

Ambry Genetics
Classification: Uncertain significance for Inborn genetic diseases. Last evaluated: 2017-05-31. Review status: criteria provided, single submitter. Criteria: Ambry Variant Classification Scheme 2023. Collection method: clinical testing. Allele origin: germline.
Comment: The p.T1532P variant (also known as c.4594A>C), located in coding exon 31 of the SZT2 gene, results from an A to C substitution at nucleotide position 4594. The threonine at codon 1532 is replaced by proline, an amino acid with highly similar properties. This amino acid position is highly conserved in available vertebrate species. In addition, this alteration is predicted to be deleterious by in silico analysis. Since supporting evidence is limited at this time, the clinical significance of this alteration remains unclear.